The following is an entry in ClinVar:

ClinVar aggregate classification (germline): Uncertain significance (1 of 4 stars; one submission).

Conditions:
Ehlers-Danlos syndrome, classic type, 1 (EDSCL1). Also called: EDS I; EHLERS-DANLOS SYNDROME, GRAVIS TYPE; EHLERS-DANLOS SYNDROME, SEVERE CLASSIC TYPE; Ehlers-Danlos syndrome, type 1; Ehlers-Danlos Syndrome, Classic Type, COL5A1-Related. Identifiers: MedGen C0268335, MONDO:0019567, OMIM 130000.

Submission:

Labcorp Genetics (formerly Invitae), Labcorp
Classification: Uncertain significance for Ehlers-Danlos syndrome, classic type, 1. Last evaluated: 2023-05-07. Review status: criteria provided, single submitter. Criteria: Invitae Variant Classification Sherloc (09022015). Collection method: clinical testing. Allele origin: germline.
Comment: Information on the frequency of this variant in the gnomAD database is not available, as this variant may be reported differently in the database. In summary, the available evidence is currently insufficient to determine the role of this variant in disease. Therefore, it has been classified as a Variant of Uncertain Significance. Experimental studies and prediction algorithms are not available or were not evaluated, and the effect of this variant on mRNA splicing is currently unknown. This variant has not been reported in the literature in individuals affected with COL5A1-related conditions. This sequence change falls in intron 28 of the COL5A1 gene. It does not directly change the encoded amino acid sequence of the COL5A1 protein.

NM_000093.5(COL5A1):c.2430+19_2430+20delinsTT

Gene: COL5A1 (collagen type V alpha 1 chain; plus strand). Cytogenetic location: 9q34.3.
Variant type: Indel.
Coding change: c.2430+19_2430+20delinsTT on transcript NM_000093.5 (MANE Select); bases 19 to 20 of the intron after coding-DNA position 2430, CC replaced by TT.
Molecular consequence: intron variant.
Genome position (GRCh38, 1-based): chr9:134,780,165-134,780,166, CC replaced by TT. VCF-style: chr9-134780165-CC-TT. GRCh37 (hg19) VCF-style: chr9-137672011-CC-TT.
Other names: c.2430+19_2430+20delinsTT (NM_001278074.1).
Identifiers: ClinVar variation 2957945 (VCV002957945.3), dbSNP rs2490706211, ClinGen allele CA2740092926.